The following is an entry in ClinVar:

ClinVar aggregate classification (germline): Uncertain significance (1 of 4 stars; one submission).

Submission:

CeGaT Center for Human Genetics Tuebingen
Classification: Uncertain significance. Last evaluated: 2026-05-01. Review status: criteria provided, single submitter. Criteria: CeGaT Center For Human Genetics Tuebingen Variant Classification Criteria Version 2. Collection method: clinical testing. Allele origin: germline. Affected: yes. Observed: 1 variant allele.
Comment: SPTA1: PM2, BP4

NM_003126.4(SPTA1):c.1934A>T (p.Gln645Leu)

Gene: SPTA1 (spectrin alpha, erythrocytic 1; minus strand). Cytogenetic location: 1q23.1.
Variant type: single nucleotide variant.
Coding change: c.1934A>T on transcript NM_003126.4 (MANE Select); coding-DNA position 1934, A replaced by T.
Protein change: p.Gln645Leu; replaces glutamine 645 with leucine.
Molecular consequence: missense variant.
Genome position (GRCh38, 1-based): chr1:158,667,962, T>A on the plus strand (A>T on the coding strand, the complement: SPTA1 is on the minus strand). VCF-style: chr1-158667962-T-A. GRCh37 (hg19) VCF-style: chr1-158637752-T-A.
Other names: short protein forms Q645L.
Identifiers: ClinVar variation 4874875 (VCV004874875.2).